The following is an entry in ClinVar:

NM_080764.4(ZNF280B):c.1161C>T (p.Val387=)

Genes: IGL (immunoglobulin lambda locus; plus strand), ZNF280B (zinc finger protein 280B; minus strand). Cytogenetic location: 22q11.22.
Variant type: single nucleotide variant.
Coding change: c.1161C>T on transcript NM_080764.4 (MANE Select); coding-DNA position 1161, C replaced by T.
Protein change: p.Val387=; no amino-acid change (valine 387 retained).
Molecular consequence: synonymous variant. On other transcripts: non-coding transcript variant (1).
Genome position (GRCh38, 1-based): chr22:22,488,238, G>A on the plus strand (C>T on the coding strand, the complement: ZNF280B is on the minus strand). VCF-style: chr22-22488238-G-A. GRCh37 (hg19) VCF-style: chr22-22842563-G-A.
Identifiers: ClinVar variation 4872769 (VCV004872769.2).
Genomic context (GRCh38, chr22:22,488,238, plus strand): 5'-AACCTGGCACACATAGGGCATTTCGCCAGGCTTATGATGGTCCTTCATGTGTTGTAAGAG[G>A]ACCTGATCTGTTTCAAATGACAATTCACAGATTTTACAGACAGTAGAGGGCTCCTGGGCA-3'
Protein context (NP_542942.2, residues 377-397): ICELSFETDQ[Val387=]LLQHMKDHHK

ClinVar aggregate classification (germline): Likely benign (1 of 4 stars; one submission).

Submission:

CeGaT Center for Human Genetics Tuebingen
Classification: Likely benign. Last evaluated: 2026-05-01. Review status: criteria provided, single submitter. Criteria: CeGaT Center For Human Genetics Tuebingen Variant Classification Criteria Version 2. Collection method: clinical testing. Allele origin: germline. Affected: yes. Observed: 1 variant allele.
Comment: ZNF280B: BP4, BP7